The following is an entry in ClinVar:

NM_000320.3(QDPR):c.8C>T (p.Ala3Val)

Genes: QDPR (quinoid dihydropteridine reductase; minus strand), LOC129992304 (ATAC-STARR-seq lymphoblastoid silent region 15310; plus strand). Cytogenetic location: 4p15.32.
Variant type: single nucleotide variant.
Coding change: c.8C>T on transcript NM_000320.3 (MANE Select); coding-DNA position 8, C replaced by T.
Protein change: p.Ala3Val; replaces alanine 3 with valine.
Molecular consequence: missense variant. On other transcripts: non-coding transcript variant (1).
Genome position (GRCh38, 1-based): chr4:17,512,047, G>A on the plus strand (C>T on the coding strand, the complement: QDPR is on the minus strand). VCF-style: chr4-17512047-G-A. GRCh37 (hg19) VCF-style: chr4-17513670-G-A.
Other names: c.8C>T, p.Ala3Val (NM_001306140.2); short protein forms A3V.
Identifiers: ClinVar variation 998512 (VCV000998512.6), dbSNP rs759025201, ClinGen allele CA2868266.
Genomic context (GRCh38, chr4:17,512,047, plus strand): 5'-CCCAGAGCGCCCCTGCCGCCGTACACCAGCACCCGGCGCGCCTCGCCTGCAGCCGCCGCC[G>A]CCGCCATCCTGCTCCTGCCAGCCCGGCTCCCGCAGCTCCGAATGCCTCGAGCCGGAGCGC-3'
Protein context (NP_000311.2, residues 1-13): MA[Ala3Val]AAAAGEARRV

ClinVar aggregate classification (germline): Uncertain significance (1 of 4 stars; one submission).

Conditions:
Dihydropteridine reductase deficiency (HPABH4C). Also called: DHPR DEFICIENCY; BH4-Deficient Hyperphenylalaninemia C; Phenylketonuria II; QDPR DEFICIENCY; QUINOID DIHYDROPTERIDINE REDUCTASE DEFICIENCY; HYPERPHENYLALANINEMIA, TETRAHYDROBIOPTERIN-DEFICIENT, DUE TO DHPR DEFICIENCY. Identifiers: Orphanet 226, Orphanet 238583, MedGen C0268465, MONDO:0009862, OMIM 261630.

Allele frequency attached by ClinVar (database versions not stated): gnomAD exomes 0.00001; gnomAD 0.00001; ExAC 0.00001.
gnomAD v4.1: 12 of 1,600,752 alleles (0.00075%); highest among the groups gnomAD compares: Non-Finnish European, 0.00034%; no homozygotes.

Submission:

Labcorp Genetics (formerly Invitae), Labcorp
Classification: Uncertain significance for Dihydropteridine reductase deficiency. Last evaluated: 2022-06-02. Review status: criteria provided, single submitter. Criteria: Invitae Variant Classification Sherloc (09022015). Collection method: clinical testing. Allele origin: germline.
Comment: This sequence change replaces alanine, which is neutral and non-polar, with valine, which is neutral and non-polar, at codon 3 of the QDPR protein (p.Ala3Val). The frequency data for this variant in the population databases is considered unreliable, as metrics indicate poor data quality at this position in the gnomAD database. This variant has not been reported in the literature in individuals affected with QDPR-related conditions. ClinVar contains an entry for this variant (Variation ID: 998512). Algorithms developed to predict the effect of missense changes on protein structure and function are either unavailable or do not agree on the potential impact of this missense change (SIFT: "Tolerated"; PolyPhen-2: "Not Available"; Align-GVGD: "Class C0"). In summary, the available evidence is currently insufficient to determine the role of this variant in disease. Therefore, it has been classified as a Variant of Uncertain Significance.